The following is an entry in ClinVar:

NM_003280.3(TNNC1):c.391GAC[1] (p.Asp132del)

Gene: TNNC1 (troponin C1, slow skeletal and cardiac type; minus strand). Cytogenetic location: 3p21.1.
Variant type: Microsatellite.
Coding change: c.391GAC[1] on transcript NM_003280.3 (MANE Select); one copy of the 3-base unit GAC starting at c.391; the reference has two copies in a row; one copy, 3 bases deleted.
Protein change: p.Asp132del; deletes aspartic acid 132.
Molecular consequence: inframe deletion.
Genome position (GRCh38, 1-based): chr3:52,451,449-52,451,451, GTC deleted on the plus strand (GAC on the coding strand, the reverse complement: TNNC1 is on the minus strand); deleting any 3 consecutive bases within chr3:52,451,449-52,451,454 gives the same sequence; the position shown is the placement nearest the transcript's 3' end. VCF-style (leftmost placement, unchanged base first): chr3-52451448-TGTC-T. GRCh37 (hg19) VCF-style: chr3-52485464-TGTC-T.
Other names: short protein forms D132del.
Identifiers: ClinVar variation 569293 (VCV000569293.5), dbSNP rs1559615735, ClinGen allele CA891843031.

ClinVar aggregate classification (germline): Uncertain significance (1 of 4 stars; one submission).

Conditions:
Dilated cardiomyopathy 1Z (CMD1Z). Identifiers: Orphanet 154, MedGen C2678475, MONDO:0012745, OMIM 611879.
Hypertrophic cardiomyopathy 13. Also called: TNNC1-Related Familial Hypertrophic Cardiomyopathy. Identifiers: MedGen C2750472, MONDO:0013195, OMIM 613243.

Submission:

Labcorp Genetics (formerly Invitae), Labcorp
Classification: Uncertain significance for Hypertrophic cardiomyopathy 13; Dilated cardiomyopathy 1Z. Last evaluated: 2022-03-18. Review status: criteria provided, single submitter. Criteria: Invitae Variant Classification Sherloc (09022015). Collection method: clinical testing. Allele origin: germline.
Comment: This variant, c.394_396del, results in the deletion of 1 amino acid(s) of the TNNC1 protein (p.Asp132del), but otherwise preserves the integrity of the reading frame. This variant is not present in population databases (gnomAD no frequency). This variant has not been reported in the literature in individuals affected with TNNC1-related conditions. ClinVar contains an entry for this variant (Variation ID: 569293). Experimental studies and prediction algorithms are not available or were not evaluated, and the functional significance of this variant is currently unknown. In summary, the available evidence is currently insufficient to determine the role of this variant in disease. Therefore, it has been classified as a Variant of Uncertain Significance.